The following is an entry in ClinVar:

NM_002645.4(PIK3C2A):c.193G>A (p.Ala65Thr)

Gene: PIK3C2A (phosphatidylinositol-4-phosphate 3-kinase catalytic subunit type 2 alpha; minus strand). Cytogenetic location: 11p15.1.
Variant type: single nucleotide variant.
Coding change: c.193G>A on transcript NM_002645.4 (MANE Select); coding-DNA position 193, G replaced by A.
Protein change: p.Ala65Thr; replaces alanine 65 with threonine.
Molecular consequence: missense variant. On other transcripts: intron variant (1).
Genome position (GRCh38, 1-based): chr11:17,169,549, C>T on the plus strand (G>A on the coding strand, the complement: PIK3C2A is on the minus strand). VCF-style: chr11-17169549-C-T. GRCh37 (hg19) VCF-style: chr11-17191096-C-T.
Other names: c.193G>A, p.Ala65Thr (NM_001321378.2, NM_001386870.1); c.-75-13920G>A (NM_001321380.2); short protein forms A65T.
Identifiers: ClinVar variation 2080636 (VCV002080636.4), dbSNP rs746961822, ClinGen allele CA5901612.

ClinVar aggregate classification (germline): Uncertain significance (1 of 4 stars; one submission).

Allele frequency attached by ClinVar (database versions not stated): gnomAD 0.00001; gnomAD exomes 0.00001; TOPMed 0.00003; ExAC 0.00002.
gnomAD v4.1: 13 of 1,613,946 alleles (0.00081%); highest among the groups gnomAD compares: Admixed American, 0.0017%; no homozygotes.

Submission:

Labcorp Genetics (formerly Invitae), Labcorp
Classification: Uncertain significance. Last evaluated: 2022-11-08. Review status: criteria provided, single submitter. Criteria: Invitae Variant Classification Sherloc (09022015). Collection method: clinical testing. Allele origin: germline.
Comment: In summary, the available evidence is currently insufficient to determine the role of this variant in disease. Therefore, it has been classified as a Variant of Uncertain Significance. Algorithms developed to predict the effect of missense changes on protein structure and function output the following: SIFT: "Not Available"; PolyPhen-2: "Not Available"; Align-GVGD: "Not Available". The threonine amino acid residue is found in multiple mammalian species, which suggests that this missense change does not adversely affect protein function. This variant has not been reported in the literature in individuals affected with PIK3C2A-related conditions. This variant is present in population databases (rs746961822, gnomAD 0.003%). This sequence change replaces alanine, which is neutral and non-polar, with threonine, which is neutral and polar, at codon 65 of the PIK3C2A protein (p.Ala65Thr).